The following is an entry in ClinVar:

ClinVar aggregate classification (germline): Uncertain significance (1 of 4 stars; one submission).

Conditions:
Cataract 1 multiple types. Also called: CATARACT 1, STELLATE NUCLEAR, WITH MICROCORNEA; CATARACT, DUFFY-LINKED; CATARACT 1, POSTERIOR SUBCAPSULAR, WITH MICROCORNEA; CATARACT 1, MULTIPLE TYPES, WITH OR WITHOUT MICROCORNEA; CATARACT 1, NUCLEAR PROGRESSIVE; CATARACT 1 WITH MICROCORNEA. Identifiers: Orphanet 1377, MedGen C1861828, MONDO:0007285, OMIM 116200.

Allele frequency attached by ClinVar (database versions not stated): ExAC 0.00001; gnomAD exomes 0.00001 and 0.00002; gnomAD 0.00003; ESP Exome Variant Server 0.00008.
gnomAD v4.1: 7 of 1,614,190 alleles (0.00043%); highest among the groups gnomAD compares: Admixed American, 0.012%; no homozygotes.

Submission:

Labcorp Genetics (formerly Invitae), Labcorp
Classification: Uncertain significance for Cataract 1 multiple types. Last evaluated: 2016-08-08. Review status: criteria provided, single submitter. Criteria: Invitae Variant Classification Sherloc (09022015). Collection method: clinical testing. Allele origin: germline.
Comment: In summary, this variant is a rare missense change with uncertain impact on protein function. There is no indication that it causes disease, but the available evidence is currently insufficient to prove that conclusively. Therefore, it has been classified as a Variant of Uncertain Significance. Algorithms developed to predict the effect of missense changes on protein structure and function do not agree on the potential impact of this missense change (SIFT: "Deleterious"; PolyPhen-2: "Possibly Damaging"; Align-GVGD: "Class C0"). This variant is present in population databases (rs374680617, ExAC 0.01%) but has not been reported in the literature in individuals with a GJA8-related disease. This sequence change replaces valine with methionine at codon 163 of the GJA8 protein (p.Val163Met). The valine residue is highly conserved and there is a small physicochemical difference between valine and methionine.

NM_005267.5(GJA8):c.487G>A (p.Val163Met)

Gene: GJA8 (gap junction protein alpha 8; plus strand). Cytogenetic location: 1q21.2.
Variant type: single nucleotide variant.
Coding change: c.487G>A on transcript NM_005267.5 (MANE Select); coding-DNA position 487, G replaced by A.
Protein change: p.Val163Met; replaces valine 163 with methionine.
Molecular consequence: missense variant.
Genome position (GRCh38, 1-based): chr1:147,908,442, G>A. VCF-style: chr1-147908442-G-A. GRCh37 (hg19) VCF-style: chr1-147380569-G-A.
Other names: short protein forms V163M.
Identifiers: ClinVar variation 468226 (VCV000468226.9), dbSNP rs374680617, ClinGen allele CA1065953.